The following is an entry in ClinVar:

NM_004329.3(BMPR1A):c.1474-10dup

Gene: BMPR1A (bone morphogenetic protein receptor type 1A; plus strand). Cytogenetic location: 10q23.2.
Variant type: Duplication.
Coding change: c.1474-10dup on transcript NM_004329.3 (MANE Select); 10 bases into the intron before coding-DNA position 1474, one base duplicated (T; older notation c.1474-10dupT).
Molecular consequence: intron variant.
Genome position (GRCh38, 1-based): chr10:86,923,584, T duplicated; the last of 3 consecutive T bases (chr10:86,923,582-86,923,584); duplicating any one gives the same sequence. VCF-style (leftmost placement, unchanged base first): chr10-86923581-C-CT. GRCh37 (hg19) VCF-style: chr10-88683338-C-CT.
Other names: c.1474-10dup (NM_001406562.1, NM_001406568.1, NM_001406567.1 and 19 more transcripts); c.1390-10dup (NM_001406584.1, NM_001406588.1, NM_001406587.1 and 2 more transcripts); c.1522-10dup (NM_001406560.1); c.1549-10dup (NM_001406559.1); c.1468-10dup (NM_001406583.1); c.1132-10dup (NM_001406589.1).
Identifiers: ClinVar variation 3378999 (VCV003378999.1).
Genomic context (GRCh38, chr10:86,923,581, plus strand): 5'-GTCCCCTGAAGAAGTGATTCGTAAATGCCACCAAATATATTCTCTGCTCACTGAACATCT[C>CT]TTTACTTTTCAGTGTCTACGAGCAGTTTTGAAGCTAATGTCAGAATGCTGGGCCCACAAT-3'

ClinVar aggregate classification (germline): Likely benign (1 of 4 stars; one submission).

Conditions:
Juvenile polyposis syndrome (JPS). Identifiers: Orphanet 2929, MedGen C0345893, MONDO:0017380, OMIM 174900.

Submission:

Myriad Genetics, Inc.
Classification: Likely benign for Juvenile polyposis syndrome. Last evaluated: 2024-08-08. Review status: criteria provided, single submitter. Criteria: Myriad Autosomal Dominant, Autosomal Recessive and X-Linked Classification Criteria (2023). Collection method: clinical testing. Allele origin: unknown.
Comment: This variant is considered likely benign. This variant is intronic and is not expected to impact mRNA splicing.